The following is an entry in ClinVar:

ClinVar aggregate classification (germline): Conflicting classifications of pathogenicity. Review status: criteria provided, conflicting classifications (1 of 4 stars). 4 submissions from 4 submitters: Uncertain significance (2); Likely benign (2). Last evaluated 2026-03-28.

Conditions:
Hereditary cancer-predisposing syndrome. Also called: Neoplastic Syndromes, Hereditary; Hereditary neoplastic syndrome; Hereditary Cancer Syndrome; Tumor predisposition. Identifiers: Orphanet 140162, MedGen C0027672, MeSH D009386, MONDO:0015356.
Breast-ovarian cancer, familial, susceptibility to, 2 (BROVCA2). Also called: BRCA2 Hereditary Breast and Ovarian Cancer. Identifiers: Orphanet 145, MedGen C2675520, MONDO:0012933, OMIM 612555. Disease mechanism: loss of function.
Hereditary breast ovarian cancer syndrome. Also called: Hereditary breast and ovarian cancer syndrome (HBOC); Hereditary breast and ovarian cancer syndrome; Hereditary breast and/or ovarian cancer syndrome; BRCA1- and BRCA2-Associated Hereditary Breast and Ovarian Cancer; Hereditary breast and ovarian cancer; Breast and ovarian cancer. Identifiers: Orphanet 145, MedGen C0677776, MeSH D061325, MONDO:0003582. Disease mechanism: loss of function.

Allele frequency attached by ClinVar (database versions not stated): gnomAD exomes below 0.00001.
gnomAD v4.1: 1 of 1,599,814 alleles (0.000063%); highest among the groups gnomAD compares: Non-Finnish European, 0.000085%; no homozygotes.

Submissions (4):

Ambry Genetics
Classification: Uncertain significance for Hereditary cancer-predisposing syndrome. Last evaluated: 2026-03-28. Review status: criteria provided, single submitter. Criteria: Ambry Variant Classification Scheme 2023. Collection method: clinical testing. Allele origin: germline.
Comment: The p.Q1658R variant (also known as c.4973A>G), located in coding exon 10 of the BRCA2 gene, results from an A to G substitution at nucleotide position 4973. The glutamine at codon 1658 is replaced by arginine, an amino acid with highly similar properties. This amino acid position is conserved. In addition, this alteration is predicted to be tolerated by in silico analysis. Based on the available evidence, the clinical significance of this variant remains unclear.

University of Washington Department of Laboratory Medicine, University of Washington
Classification: Likely benign for Hereditary cancer-predisposing syndrome. Last evaluated: 2023-03-23. Review status: criteria provided, single submitter. Criteria: Dines et al. (Genet Med. 2020). Collection method: curation. Allele origin: germline.
Comment: Missense variant in a coldspot region where missense variants are very unlikely to be pathogenic (PMID:31911673).

BRCA2 exon 11 coldspot. Reclassification based on statistical prior probability.

Labcorp Genetics (formerly Invitae), Labcorp
Classification: Uncertain significance for Hereditary breast ovarian cancer syndrome. Last evaluated: 2021-05-19. Review status: criteria provided, single submitter. Criteria: Invitae Variant Classification Sherloc (09022015). Collection method: clinical testing. Allele origin: germline.
Comment: In summary, the available evidence is currently insufficient to determine the role of this variant in disease. Therefore, it has been classified as a Variant of Uncertain Significance. Advanced modeling of protein sequence and biophysical properties (such as structural, functional, and spatial information, amino acid conservation, physicochemical variation, residue mobility, and thermodynamic stability) performed at Invitae indicates that this missense variant is not expected to disrupt BRCA2 protein function. This variant has not been reported in the literature in individuals with BRCA2-related conditions. ClinVar contains an entry for this variant (Variation ID: 802932). This variant is not present in population databases (ExAC no frequency). This sequence change replaces glutamine with arginine at codon 1658 of the BRCA2 protein (p.Gln1658Arg). The glutamine residue is weakly conserved and there is a small physicochemical difference between glutamine and arginine.

Mendelics
Classification: Likely benign for Breast-ovarian cancer, familial, susceptibility to, 2. Last evaluated: 2019-05-28. Review status: criteria provided, single submitter. Criteria: Mendelics Assertion Criteria 2017. Collection method: clinical testing. Allele origin: unknown.

NM_000059.4(BRCA2):c.4973A>G (p.Gln1658Arg)

Gene: BRCA2 (BRCA2 DNA repair associated; plus strand). Cytogenetic location: 13q13.1.
Variant type: single nucleotide variant.
Coding change: c.4973A>G on transcript NM_000059.4 (MANE Select); coding-DNA position 4973, A replaced by G.
Protein change: p.Gln1658Arg; replaces glutamine 1658 with arginine.
Molecular consequence: missense variant.
Genome position (GRCh38, 1-based): chr13:32,339,328, A>G. VCF-style: chr13-32339328-A-G. GRCh37 (hg19) VCF-style: chr13-32913465-A-G.
Other names: c.4973A>G (NM_000059.3); short protein forms Q1658R.
Identifiers: ClinVar variation 802932 (VCV000802932.11), dbSNP rs1593903991, ClinGen allele CA387783837.